The following is an entry in ClinVar:

NR_002196.3(H19):n.2147G>A

Genes: H19 (H19 imprinted maternally expressed transcript; minus strand), HOTS (H19 opposite tumor suppressor; plus strand), MRPL23 (mitochondrial ribosomal protein L23; plus strand). Cytogenetic location: 11p15.5.
Variant type: single nucleotide variant.
Molecular consequence: non-coding transcript variant (on NR_002196.3). On other transcripts: intron variant (1).
Genome position: GRCh38 VCF-style: chr11-1995344-C-T. GRCh37 (hg19) VCF-style: chr11-2016574-C-T.
Other names: c.498-16197C>T (NM_001400176.1).
Identifiers: ClinVar variation 4887540 (VCV004887540.1).

ClinVar aggregate classification (germline): Benign (1 of 4 stars; one submission).

Submission:

Women's Health and Genetics/Laboratory Corporation of America, LabCorp
Classification: Benign. Last evaluated: 2026-06-03. Review status: criteria provided, single submitter. Criteria: LabCorp Variant Classification Summary - May 2015. Collection method: clinical testing. Allele origin: germline.
Comment: Variant summary: H19 n.2180G>A alters a nucleotide in the non-coding RNA. The variant allele was found at a frequency of 0.00033 in 230718 control chromosomes, predominantly at a frequency of 0.004 within the East Asian subpopulation in the gnomAD database. The observed variant frequency within East Asian control individuals in the gnomAD database exceeds the estimated maximal expected allele frequency for disease-causing variants in H19. To our knowledge, no occurrence of n.2180G>A in individuals affected with H19-related conditions and no experimental evidence demonstrating its impact on protein function have been reported. No submitters have cited clinical-significance assessments for this variant to ClinVar. Based on the evidence outlined above, the variant was classified as benign.